The following is an entry in ClinVar:

ClinVar aggregate classification (germline): Uncertain significance (1 of 4 stars; one submission).

Conditions:
Inborn genetic diseases. Identifiers: MedGen C0950123, MeSH D030342.

Submission:

Ambry Genetics
Classification: Uncertain significance for Inborn genetic diseases. Last evaluated: 2026-07-09. Review status: criteria provided, single submitter. Criteria: Ambry Variant Classification Scheme 2023. Collection method: clinical testing. Allele origin: germline.
Comment: The p.H302L variant (also known as c.905A>T), located in coding exon 6 of the G6PC3 gene, results from an A to T substitution at nucleotide position 905. The histidine at codon 302 is replaced by leucine, an amino acid with similar properties. This amino acid position is conserved. In addition, this alteration is predicted to be tolerated by in silico analysis. Based on the available evidence, the clinical significance of this variant remains unclear.

NM_138387.4(G6PC3):c.905A>T (p.His302Leu)

Gene: G6PC3 (glucose-6-phosphatase catalytic subunit 3; plus strand). Cytogenetic location: 17q21.31.
Variant type: single nucleotide variant.
Coding change: c.905A>T on transcript NM_138387.4 (MANE Select); coding-DNA position 905, A replaced by T.
Protein change: p.His302Leu; replaces histidine 302 with leucine.
Molecular consequence: missense variant. On other transcripts: 3 prime UTR variant (1).
Genome position (GRCh38, 1-based): chr17:44,075,907, A>T. VCF-style: chr17-44075907-A-T. GRCh37 (hg19) VCF-style: chr17-42153275-A-T.
Other names: c.*198A>T (NM_001319945.2); c.560A>T, p.His187Leu (NM_001384165.1, NM_001384166.1, NM_001384167.1 and 1 more transcripts); short protein forms H302L, H187L.
Identifiers: ClinVar variation 5022090 (VCV005022090.1).
Genomic context (GRCh38, chr17:44,075,907, plus strand): 5'-AGAAGATAGCCTGCCTTGTGCTGGCCATGGGGCTGCTGGGCCCCCTGGACTGGCTGGGCC[A>T]CCCCCCTCAGATCAGCCTCTTCTACATTTTCAATTTCCTCAAGTACACCCTCTGGCCATG-3'
Protein context (NP_612396.1, residues 292-312): GLLGPLDWLG[His302Leu]PPQISLFYIF